The following is an entry in ClinVar:

ClinVar aggregate classification (germline): Benign. Review status: criteria provided, single submitter (1 of 4 stars). 4 submissions from 4 submitters: Benign (1). 3 of the submissions do not count toward it. Last evaluated 2025-04-16.

Conditions:
KIF11-related disorder. Also called: KIF11-related condition.

Submissions (4):

Labcorp Genetics (formerly Invitae), Labcorp
Classification: Benign. Last evaluated: 2025-04-16. Review status: criteria provided, single submitter. Criteria: Invitae Variant Classification Sherloc (09022015). Collection method: clinical testing. Allele origin: germline.

PreventionGenetics, part of Exact Sciences
Classification: Likely benign for KIF11-related condition. Last evaluated: 2019-05-07. Review status: no assertion criteria provided. Collection method: clinical testing. Allele origin: germline. Not counted in ClinVar's aggregate classification.
Comment: This variant is classified as likely benign based on ACMG/AMP sequence variant interpretation guidelines (Richards et al. 2015 PMID: 25741868, with internal and published modifications).

Clinical Genetics DNA and cytogenetics Diagnostics Lab, Erasmus MC, Erasmus Medical Center
Classification: Likely benign. Review status: no assertion criteria provided. Collection method: clinical testing. Allele origin: germline. Affected: yes. Study: VKGL Data-share Consensus. Not counted in ClinVar's aggregate classification.

Clinical Genetics, Academic Medical Center
Classification: Benign. Review status: no assertion criteria provided. Collection method: clinical testing. Allele origin: germline. Affected: yes. Study: VKGL Data-share Consensus. Not counted in ClinVar's aggregate classification.

NM_004523.4(KIF11):c.77+9_77+11del

Gene: KIF11 (kinesin family member 11; plus strand). Cytogenetic location: 10q23.33.
Variant type: Deletion.
Coding change: c.77+9_77+11del on transcript NM_004523.4 (MANE Select); bases 9 to 11 of the intron after coding-DNA position 77, 3 bases deleted (AGG; older notation c.77+9_77+11delAGG).
Molecular consequence: intron variant.
Genome position (GRCh38, 1-based): chr10:92,593,461-92,593,463, AGG deleted; deleting any 3 consecutive bases within chr10:92,593,460-92,593,463 gives the same sequence; the c. name uses the placement nearest the transcript's 3' end. VCF-style (leftmost placement, unchanged base first): chr10-92593459-AGAG-A. GRCh37 (hg19) VCF-style: chr10-94353216-AGAG-A.
Other names: c.77+9_77+11delAGG (NM_004523.3).
Identifiers: ClinVar variation 1168099 (VCV001168099.15), dbSNP rs758658511, ClinGen allele CA5603885.
Genomic context (GRCh38, chr10:92,593,459, plus strand): 5'-TGCGAAGAAGAAAGAGGAGAAGGGGAAGAACATCCAGGTGGTGGTGAGATGCAGGTAGGG[AGAG>A]GGCTGACAGGATTCCGAGCGCTGCGGCTTCGCTGCTGGGCCCCCTACTGCGCGGTCCAGG-3'